The following is an entry in ClinVar:

NM_001378778.1(MPDZ):c.3363_3364del (p.Ile1122fs)

Gene: MPDZ (multiple PDZ domain crumbs cell polarity complex component; minus strand). Cytogenetic location: 9p23.
Variant type: Deletion.
Coding change: c.3363_3364del on transcript NM_001378778.1 (MANE Select); coding-DNA positions 3363 to 3364, 2 bases deleted (CA; older notation c.3363_3364delCA).
Protein change: p.Ile1122fs; shifts the reading frame from isoleucine 1122.
Molecular consequence: frameshift variant. On other transcripts: intron variant (1).
Genome position (GRCh38, 1-based): chr9:13,158,106-13,158,107, TG deleted on the plus strand (CA on the coding strand, the reverse complement: MPDZ is on the minus strand); deleting any 2 consecutive bases within chr9:13,158,106-13,158,108 gives the same sequence; the c. name uses the placement nearest the transcript's 3' end. VCF-style (leftmost placement, unchanged base first): chr9-13158105-ATG-A. GRCh37 (hg19) VCF-style: chr9-13158104-ATG-A.
Other names: c.3363_3364del, p.Ile1122fs (NM_001261406.2, NM_001261407.2, NM_001330637.2 and 13 more transcripts); c.3255-7419_3255-7418del (NM_001375427.1); short protein forms I1122fs.
Identifiers: ClinVar variation 1452904 (VCV001452904.6), dbSNP rs2133385585, ClinGen allele CA2573143622.
Genomic context (GRCh38, chr9:13,158,105, plus strand): 5'-GCTGTGTTTTGAAGTTCGCTTTCTTCACCCTCTCCCTCTTCTCGCTCTGGTAATTCTGGA[ATG>A]TCTCTGGTTAAAGAATTACACAATGAGTACCCCAAAATCCTAGTAAAAACATGCAAGATT-3'

ClinVar aggregate classification (germline): Pathogenic (1 of 4 stars; one submission).

Submission:

Labcorp Genetics (formerly Invitae), Labcorp
Classification: Pathogenic. Last evaluated: 2021-05-18. Review status: criteria provided, single submitter. Criteria: Invitae Variant Classification Sherloc (09022015). Collection method: clinical testing. Allele origin: germline.
Comment: This variant is not present in population databases (ExAC no frequency). This sequence change creates a premature translational stop signal (p.Ile1122Serfs*12) in the MPDZ gene. It is expected to result in an absent or disrupted protein product. Loss-of-function variants in MPDZ are known to be pathogenic (PMID: 23240096, 28556411). This variant has not been reported in the literature in individuals with MPDZ-related conditions. For these reasons, this variant has been classified as Pathogenic.

Literature cited by the submitters: PubMed 23240096; PubMed 28556411.